The following is an entry in ClinVar:

ClinVar aggregate classification (germline): Uncertain significance (1 of 4 stars; one submission).

Conditions:
Hereditary cancer-predisposing syndrome. Also called: Tumor predisposition; Hereditary neoplastic syndrome; Hereditary Cancer Syndrome; Neoplastic Syndromes, Hereditary. Identifiers: Orphanet 140162, MedGen C0027672, MeSH D009386, MONDO:0015356.

Submission:

Ambry Genetics
Classification: Uncertain significance for Hereditary cancer-predisposing syndrome. Last evaluated: 2025-06-02. Review status: criteria provided, single submitter. Criteria: Ambry Variant Classification Scheme 2023. Collection method: clinical testing. Allele origin: germline.
Comment: The p.R314S variant (also known as c.942A>T), located in coding exon 8 of the SUFU gene, results from an A to T substitution at nucleotide position 942. The arginine at codon 314 is replaced by serine, an amino acid with dissimilar properties. This amino acid position is conserved. In addition, this alteration is predicted to be tolerated by in silico analysis. Based on the available evidence, the clinical significance of this variant remains unclear.

NM_016169.4(SUFU):c.942A>T (p.Arg314Ser)

Gene: SUFU (SUFU negative regulator of hedgehog signaling; plus strand). Cytogenetic location: 10q24.32.
Variant type: single nucleotide variant.
Coding change: c.942A>T on transcript NM_016169.4 (MANE Select); coding-DNA position 942, A replaced by T.
Protein change: p.Arg314Ser; replaces arginine 314 with serine.
Molecular consequence: missense variant.
Genome position (GRCh38, 1-based): chr10:102,599,464, A>T. VCF-style: chr10-102599464-A-T. GRCh37 (hg19) VCF-style: chr10-104359221-A-T.
Other names: c.942A>T, p.Arg314Ser (NM_001178133.2); short protein forms R314S.
Identifiers: ClinVar variation 3963872 (VCV003963872.1).